The following is an entry in ClinVar:

ClinVar aggregate classification (germline): Uncertain significance (1 of 4 stars; one submission).

Conditions:
Hereditary cancer-predisposing syndrome. Also called: Hereditary Cancer Syndrome; Neoplastic Syndromes, Hereditary; Tumor predisposition; Hereditary neoplastic syndrome. Identifiers: Orphanet 140162, MedGen C0027672, MeSH D009386, MONDO:0015356.

Allele frequency attached by ClinVar (database versions not stated): ExAC 0.00001; gnomAD 0.00002.
gnomAD v4.1: 8 of 1,613,914 alleles (0.0005%); highest among the groups gnomAD compares: Non-Finnish European, 0.000085%; no homozygotes.

Submission:

Ambry Genetics
Classification: Uncertain significance for Hereditary cancer-predisposing syndrome. Last evaluated: 2025-12-01. Review status: criteria provided, single submitter. Criteria: Ambry Variant Classification Scheme 2023. Collection method: clinical testing. Allele origin: germline.
Comment: The p.P1724R variant (also known as c.5171C>G), located in coding exon 23 of the DICER1 gene, results from a C to G substitution at nucleotide position 5171. The proline at codon 1724 is replaced by arginine, an amino acid with dissimilar properties. This amino acid position is highly conserved in available vertebrate species. In addition, this alteration is predicted to be deleterious by in silico analysis. Based on the available evidence, the clinical significance of this variant remains unclear.

NM_177438.3(DICER1):c.5171C>G (p.Pro1724Arg)

Gene: DICER1 (dicer 1, ribonuclease III; minus strand). Cytogenetic location: 14q32.13.
Variant type: single nucleotide variant.
Coding change: c.5171C>G on transcript NM_177438.3 (MANE Select); coding-DNA position 5171, C replaced by G.
Protein change: p.Pro1724Arg; replaces proline 1724 with arginine.
Molecular consequence: missense variant. On other transcripts: non-coding transcript variant (6).
Genome position (GRCh38, 1-based): chr14:95,094,081, G>C on the plus strand (C>G on the coding strand, the complement: DICER1 is on the minus strand). VCF-style: chr14-95094081-G-C. GRCh37 (hg19) VCF-style: chr14-95560418-G-C.
Other names: c.5171C>G, p.Pro1724Arg (NM_001195573.1, NM_001271282.3, NM_001291628.2 and 9 more transcripts); c.4889C>G, p.Pro1630Arg (NM_001395686.1); c.4766C>G, p.Pro1589Arg (NM_001395687.1, NM_001395688.1, NM_001395689.1 and 1 more transcripts); c.4604C>G, p.Pro1535Arg (NM_001395691.1); c.3488C>G, p.Pro1163Arg (NM_001395697.1); short protein forms P1535R, P1589R, P1163R, P1630R, P1724R.
Identifiers: ClinVar variation 1745805 (VCV001745805.3), dbSNP rs749900564, ClinGen allele CA7330713.